The following is an entry in ClinVar:

ClinVar aggregate classification (germline): Uncertain significance (1 of 4 stars; one submission).

Conditions:
Ehlers-Danlos syndrome, classic type, 1 (EDSCL1). Also called: EHLERS-DANLOS SYNDROME, GRAVIS TYPE; EHLERS-DANLOS SYNDROME, SEVERE CLASSIC TYPE; Ehlers-Danlos syndrome, type 1; Ehlers-Danlos Syndrome, Classic Type, COL5A1-Related; EDS I. Identifiers: MedGen C0268335, MONDO:0019567, OMIM 130000.
Osteogenesis imperfecta type I (OI1). Also called: OI, TYPE I; OSTEOGENESIS IMPERFECTA TARDA; OSTEOGENESIS IMPERFECTA WITH BLUE SCLERAE; Osteogenesis imperfecta type 1; Lobstein's Disease; Lobstein disease. Identifiers: Orphanet 216796, Orphanet 666, MedGen C0023931, MONDO:0008146, OMIM 166200. Disease mechanism: loss of function.

Submission:

Labcorp Genetics (formerly Invitae), Labcorp
Classification: Uncertain significance for Osteogenesis imperfecta type I; Ehlers-Danlos syndrome, classic type, 1. Last evaluated: 2025-11-09. Review status: criteria provided, single submitter. Criteria: Invitae Variant Classification Sherloc (09022015). Collection method: clinical testing. Allele origin: germline.
Comment: This sequence change replaces cysteine, which is neutral and slightly polar, with serine, which is neutral and polar, at codon 1364 of the COL1A2 protein (p.Cys1364Ser). This variant is not present in population databases (gnomAD no frequency). This variant has not been reported in the literature in individuals affected with COL1A2-related conditions. Invitae Evidence Modeling of protein sequence and biophysical properties (such as structural, functional, and spatial information, amino acid conservation, physicochemical variation, residue mobility, and thermodynamic stability) indicates that this missense variant is expected to disrupt COL1A2 protein function with a positive predictive value of 95%. Algorithms developed to predict the effect of sequence changes on RNA splicing suggest that this variant may create or strengthen a splice site. In summary, the available evidence is currently insufficient to determine the role of this variant in disease. Therefore, it has been classified as a Variant of Uncertain Significance.

NM_000089.4(COL1A2):c.4090T>A (p.Cys1364Ser)

Gene: COL1A2 (collagen type I alpha 2 chain; plus strand). Cytogenetic location: 7q21.3.
Variant type: single nucleotide variant.
Coding change: c.4090T>A on transcript NM_000089.4 (MANE Select); coding-DNA position 4090, T replaced by A.
Protein change: p.Cys1364Ser; replaces cysteine 1364 with serine.
Molecular consequence: missense variant.
Genome position (GRCh38, 1-based): chr7:94,430,382, T>A. VCF-style: chr7-94430382-T-A. GRCh37 (hg19) VCF-style: chr7-94059694-T-A.
Other names: short protein forms C1364S.
Identifiers: ClinVar variation 4783370 (VCV004783370.1).